The following is an entry in ClinVar:

ClinVar aggregate classification (germline): Uncertain significance (1 of 4 stars; one submission).

Conditions:
Hereditary sensory neuropathy-deafness-dementia syndrome. Also called: NEUROPATHY, HEREDITARY SENSORY, WITH HEARING LOSS AND DEMENTIA; Hereditary Sensory and Autonomic Neuropathy Type 1E (HSAN1E); HSN IE; Hereditary sensory neuropathy type IE. Identifiers: Orphanet 456318, MedGen C3279885, MONDO:0013584, OMIM 614116.

gnomAD v4.1: 2 of 1,614,104 alleles (0.00012%); highest among the groups gnomAD compares: Non-Finnish European, 0.00017%; no homozygotes.

Submission:

Labcorp Genetics (formerly Invitae), Labcorp
Classification: Uncertain significance for Hereditary sensory neuropathy-deafness-dementia syndrome. Last evaluated: 2025-05-22. Review status: criteria provided, single submitter. Criteria: Invitae Variant Classification Sherloc (09022015). Collection method: clinical testing. Allele origin: germline.
Comment: This sequence change replaces methionine, which is neutral and non-polar, with valine, which is neutral and non-polar, at codon 865 of the DNMT1 protein (p.Met865Val). This variant is present in population databases (no rsID available, gnomAD 0.0009%). This variant has not been reported in the literature in individuals affected with DNMT1-related conditions. Invitae Evidence Modeling of protein sequence and biophysical properties (such as structural, functional, and spatial information, amino acid conservation, physicochemical variation, residue mobility, and thermodynamic stability) indicates that this missense variant is not expected to disrupt DNMT1 protein function with a negative predictive value of 80%. In summary, the available evidence is currently insufficient to determine the role of this variant in disease. Therefore, it has been classified as a Variant of Uncertain Significance.

NM_001130823.3(DNMT1):c.2593A>G (p.Met865Val)

Gene: DNMT1 (DNA methyltransferase 1; minus strand). Cytogenetic location: 19p13.2.
Variant type: single nucleotide variant.
Coding change: c.2593A>G on transcript NM_001130823.3 (MANE Select); coding-DNA position 2593, A replaced by G.
Protein change: p.Met865Val; replaces methionine 865 with valine.
Molecular consequence: missense variant.
Genome position (GRCh38, 1-based): chr19:10,149,011, T>C on the plus strand (A>G on the coding strand, the complement: DNMT1 is on the minus strand). VCF-style: chr19-10149011-T-C. GRCh37 (hg19) VCF-style: chr19-10259687-T-C.
Other names: c.2545A>G, p.Met849Val (NM_001318730.2, NM_001379.4); c.2230A>G, p.Met744Val (NM_001318731.2); short protein forms M865V, M744V, M849V.
Identifiers: ClinVar variation 4742450 (VCV004742450.1).
Genomic context (GRCh38, chr19:10,149,011, plus strand): 5'-ACCACAGCTGGTAGAAGTAGGTCTTCCCGTCGTCCCCCTCCAGCAGGGACTCGGGATCCA[T>C]GCCTCCCTTGGGAGATAAGAATGCGTGTCAGGCCAGGCGCAGTGGCTCATGCCTGTATTC-3'
Protein context (NP_001124295.1, residues 855-875): PSENWAMEGG[Met865Val]DPESLLEGDD